The following is an entry in ClinVar:

ClinVar aggregate classification (germline): Benign (0 of 4 stars; one submission).

Conditions:
PMVK-related disorder. Also called: PMVK-related condition.

Allele frequency attached by ClinVar (database versions not stated): 1000 Genomes Project 30x 0.01218; 1000 Genomes Project 0.01258; TOPMed 0.02006; gnomAD 0.02216; ESP Exome Variant Server 0.02298; gnomAD exomes 0.03179; ExAC 0.04042.
gnomAD v4.1: 49,360 of 1,596,866 alleles (3.1%); highest among the groups gnomAD compares: Non-Finnish European, 3.5%; 848 homozygotes.

Submission:

PreventionGenetics, part of Exact Sciences
Classification: Benign for PMVK-related condition. Last evaluated: 2019-04-18. Review status: no assertion criteria provided. Collection method: clinical testing. Allele origin: germline.
Comment: This variant is classified as benign based on ACMG/AMP sequence variant interpretation guidelines (Richards et al. 2015 PMID: 25741868, with internal and published modifications).

NM_006556.4(PMVK):c.-8G>A

Gene: PMVK (phosphomevalonate kinase; minus strand). Cytogenetic location: 1q21.3.
Variant type: single nucleotide variant.
Coding change: c.-8G>A on transcript NM_006556.4 (MANE Select); 8 bases upstream of the start codon, G replaced by A.
Molecular consequence: 5 prime UTR variant. On other transcripts: intron variant (1).
Genome position (GRCh38, 1-based): chr1:154,936,693, C>T on the plus strand (G>A on the coding strand, the complement: PMVK is on the minus strand). VCF-style: chr1-154936693-C-T. GRCh37 (hg19) VCF-style: chr1-154909169-C-T.
Other names: c.-246G>A (NM_001323011.3); c.-114G>A (NM_001348696.2); c.-130-4278G>A (NM_001323012.3).
Identifiers: ClinVar variation 3041180 (VCV003041180.2), dbSNP rs17356361, ClinGen allele CA1132632.